The following is an entry in ClinVar:

ClinVar aggregate classification (germline): Uncertain significance (1 of 4 stars; one submission).

Conditions:
Autosomal recessive limb-girdle muscular dystrophy type 2A (LGMDR1). Also called: LEYDEN-MOEBIUS MUSCULAR DYSTROPHY; MUSCULAR DYSTROPHY, PELVOFEMORAL; Calpainopathy; Muscular dystrophy, limb-girdle, type 2A, Amish; Limb-girdle muscular dystrophy, type 2A. Identifiers: Orphanet 267, MedGen C1869123, MONDO:0009675, OMIM 253600. Disease mechanism: loss of function.

Submission:

Labcorp Genetics (formerly Invitae), Labcorp
Classification: Uncertain significance for Autosomal recessive limb-girdle muscular dystrophy type 2A. Last evaluated: 2021-04-23. Review status: criteria provided, single submitter. Criteria: Invitae Variant Classification Sherloc (09022015). Collection method: clinical testing. Allele origin: germline.
Comment: This sequence change replaces asparagine with aspartic acid at codon 678 of the CAPN3 protein (p.Asn678Asp). The asparagine residue is highly conserved and there is a small physicochemical difference between asparagine and aspartic acid. Algorithms developed to predict the effect of missense changes on protein structure and function are either unavailable or do not agree on the potential impact of this missense change (SIFT: "Tolerated"; PolyPhen-2: "Probably Damaging"; Align-GVGD: "Class C0"). This variant has not been reported in the literature in individuals with CAPN3-related conditions. This variant is not present in population databases (ExAC no frequency). In summary, the available evidence is currently insufficient to determine the role of this variant in disease. Therefore, it has been classified as a Variant of Uncertain Significance.

NM_000070.3(CAPN3):c.2032A>G (p.Asn678Asp)

Gene: CAPN3 (calpain 3; plus strand). Cytogenetic location: 15q15.1.
Variant type: single nucleotide variant.
Coding change: c.2032A>G on transcript NM_000070.3 (MANE Select); coding-DNA position 2032, A replaced by G.
Protein change: p.Asn678Asp; replaces asparagine 678 with aspartic acid.
Molecular consequence: missense variant.
Genome position (GRCh38, 1-based): chr15:42,409,826, A>G. VCF-style: chr15-42409826-A-G. GRCh37 (hg19) VCF-style: chr15-42702024-A-G.
Other names: c.2014A>G, p.Asn672Asp (NM_024344.2); c.1756A>G, p.Asn586Asp (NM_173087.2); c.496A>G, p.Asn166Asp (NM_173088.2); c.37A>G, p.Asn13Asp (NM_173089.2, NM_173090.2); short protein forms N166D, N678D, N13D, N586D, N672D.
Identifiers: ClinVar variation 1412590 (VCV001412590.8), dbSNP rs2054149654, ClinGen allele CA392001405.